The following is an entry in ClinVar:

ClinVar aggregate classification (germline): Conflicting classifications of pathogenicity. Review status: criteria provided, conflicting classifications (1 of 4 stars). 6 submissions from 6 submitters: Uncertain significance (2); Benign (1); Likely benign (2). 1 of the submissions does not count toward it. Last evaluated 2026-02-01.

Conditions:
Cardiovascular phenotype. Identifiers: MedGen CN230736.
GAA-related disorder. Also called: GAA-related condition.
Glycogen storage disease, type II (IOPD). Also called: POMPE DISEASE, INFANTILE-ONSET; GLYCOGEN STORAGE DISEASE II, INFANTILE-ONSET; ACID ALPHA-GLUCOSIDASE DEFICIENCY, INFANTILE-ONSET; GAA DEFICIENCY, INFANTILE-ONSET; ACID MALTASE DEFICIENCY, INFANTILE-ONSET; Glucosidase acid-1,4-alpha deficiency. Identifiers: Orphanet 365, MedGen C0017921, MONDO:0009290, OMIM 232300.

Allele frequency attached by ClinVar (database versions not stated): gnomAD exomes 0.00002; gnomAD 0.00004; TOPMed 0.00004; ExAC 0.00006; 1000 Genomes Project 30x 0.00016.
gnomAD v4.1: 52 of 1,612,088 alleles (0.0032%); highest among the groups gnomAD compares: Middle Eastern, 0.017%; no homozygotes.

Submissions (6):

Labcorp Genetics (formerly Invitae), Labcorp
Classification: Likely benign for Glycogen storage disease, type II. Last evaluated: 2026-02-01. Review status: criteria provided, single submitter. Criteria: Invitae Variant Classification Sherloc (09022015). Collection method: clinical testing. Allele origin: germline.

Blueprint Genetics
Classification: Benign. Last evaluated: 2022-12-30. Review status: criteria provided, single submitter. Criteria: ACMG Guidelines, 2015. Collection method: clinical testing. Allele origin: germline.

Genome-Nilou Lab
Classification: Uncertain significance for Glycogen storage disease, type II. Last evaluated: 2021-07-22. Review status: criteria provided, single submitter. Criteria: ACMG Guidelines, 2015. Collection method: clinical testing. Allele origin: germline. Affected: no.

Ambry Genetics
Classification: Likely benign for Cardiovascular phenotype. Last evaluated: 2020-02-02. Review status: criteria provided, single submitter. Criteria: Ambry Variant Classification Scheme 2023. Collection method: clinical testing. Allele origin: germline.

Illumina Laboratory Services, Illumina
Classification: Uncertain significance for Glycogen storage disease, type II. Last evaluated: 2018-01-12. Review status: criteria provided, single submitter. Criteria: ICSL Variant Classification Criteria 13 December 2019. Collection method: clinical testing. Allele origin: germline.

PreventionGenetics, part of Exact Sciences
Classification: Likely benign for GAA-related condition. Last evaluated: 2024-05-03. Review status: no assertion criteria provided. Collection method: clinical testing. Allele origin: germline. Not counted in ClinVar's aggregate classification.
Comment: This variant is classified as likely benign based on ACMG/AMP sequence variant interpretation guidelines (Richards et al. 2015 PMID: 25741868, with internal and published modifications).

NM_000152.5(GAA):c.1245G>A (p.Thr415=)

Gene: GAA (alpha glucosidase; plus strand). Cytogenetic location: 17q25.3.
Variant type: single nucleotide variant.
Coding change: c.1245G>A on transcript NM_000152.5 (MANE Select); coding-DNA position 1245, G replaced by A.
Protein change: p.Thr415=; no amino-acid change (threonine 415 retained).
Molecular consequence: synonymous variant.
Genome position (GRCh38, 1-based): chr17:80,108,747, G>A. VCF-style: chr17-80108747-G-A. GRCh37 (hg19) VCF-style: chr17-78082546-G-A.
Other names: c.1245G>A (NM_000152.4, LRG_673t1); c.1245G>A, p.Thr415= (NM_001079803.3, NM_001079804.3).
Identifiers: ClinVar variation 526553 (VCV000526553.23), dbSNP rs760920034, ClinGen allele CA8815242.
Genomic context (GRCh38, chr17:80,108,747, plus strand): 5'-GTGGCTGCAGGACGTCCAGTGGAACGACCTGGACTACATGGACTCCCGGAGGGACTTCAC[G>A]TTCAACAAGGATGGCTTCCGGGACTTCCCGGCCATGGTGCAGGAGCTGCACCAGGGCGGC-3'
Protein context (NP_000143.2, residues 405-425): LDYMDSRRDF[Thr415=]FNKDGFRDFP